The following is an entry in ClinVar:

NM_002661.5(PLCG2):c.603G>T (p.Gln201His)

Gene: PLCG2 (phospholipase C gamma 2; plus strand). Cytogenetic location: 16q23.3.
Variant type: single nucleotide variant.
Coding change: c.603G>T on transcript NM_002661.5 (MANE Select); coding-DNA position 603, G replaced by T.
Protein change: p.Gln201His; replaces glutamine 201 with histidine.
Molecular consequence: missense variant.
Genome position (GRCh38, 1-based): chr16:81,870,890, G>T. VCF-style: chr16-81870890-G-T. GRCh37 (hg19) VCF-style: chr16-81904495-G-T.
Other names: c.603G>T, p.Gln201His (NM_001425751.1, NM_001425749.1, NM_001425750.1); short protein forms Q201H.
Identifiers: ClinVar variation 3690052 (VCV003690052.2).

ClinVar aggregate classification (germline): Uncertain significance (1 of 4 stars; one submission).

Conditions:
Familial cold autoinflammatory syndrome 3 (FCAS3). Also called: FAMILIAL ATYPICAL COLD URTICARIA; ANTIBODY DEFICIENCY AND IMMUNE DYSREGULATION, PLCG2-ASSOCIATED. Identifiers: Orphanet 300359, MedGen C3280914, MONDO:0013766, OMIM 614468.

gnomAD v4.1: 2 of 1,604,136 alleles (0.00012%); highest among the groups gnomAD compares: Non-Finnish European, 0.00017%; no homozygotes.

Submission:

Labcorp Genetics (formerly Invitae), Labcorp
Classification: Uncertain significance for Familial cold autoinflammatory syndrome 3. Last evaluated: 2024-12-06. Review status: criteria provided, single submitter. Criteria: Invitae Variant Classification Sherloc (09022015). Collection method: clinical testing. Allele origin: germline.
Comment: This sequence change replaces glutamine, which is neutral and polar, with histidine, which is basic and polar, at codon 201 of the PLCG2 protein (p.Gln201His). This variant is not present in population databases (gnomAD no frequency). This variant has not been reported in the literature in individuals affected with PLCG2-related conditions. An algorithm developed to predict the effect of missense changes on protein structure and function (PolyPhen-2) suggests that this variant is likely to be tolerated. In summary, the available evidence is currently insufficient to determine the role of this variant in disease. Therefore, it has been classified as a Variant of Uncertain Significance.